The following is an entry in ClinVar:

NM_006846.4(SPINK5):c.2486G>A (p.Arg829Lys)

Gene: SPINK5 (serine peptidase inhibitor Kazal type 5; plus strand). Cytogenetic location: 5q32.
Variant type: single nucleotide variant.
Coding change: c.2486G>A on transcript NM_006846.4 (MANE Select); coding-DNA position 2486, G replaced by A.
Protein change: p.Arg829Lys; replaces arginine 829 with lysine.
Molecular consequence: missense variant.
Genome position (GRCh38, 1-based): chr5:148,120,339, G>A. VCF-style: chr5-148120339-G-A. GRCh37 (hg19) VCF-style: chr5-147499902-G-A.
Other names: c.2486G>A, p.Arg829Lys (NM_001127698.2, NM_001127699.2); short protein forms R829K.
Identifiers: ClinVar variation 1978710 (VCV001978710.5), dbSNP rs2531788807, ClinGen allele CA361646655.
Genomic context (GRCh38, chr5:148,120,339, plus strand): 5'-ATTGTTTTCCCCCCAGGGAAAGGGAAGCAGCTGAAAAAAAAAAGAAAGAGGATGAAGACA[G>A]GAGCAATACAGGAGAAAGGAGCAATACAGGAGAAAGGAGCAATGACAAAGAGGTAATAGA-3'
Protein context (NP_006837.2, residues 819-839): AEKKKKEDED[Arg829Lys]SNTGERSNTG

ClinVar aggregate classification (germline): Uncertain significance. Review status: criteria provided, multiple submitters, no conflicts (2 of 4 stars). 2 submissions from 2 submitters: Uncertain significance (2). Last evaluated 2025-10-08.

Conditions:
Ichthyosis linearis circumflexa. Identifiers: MedGen C0265962, MONDO:0043106, HP:0025810.
Inborn genetic diseases. Identifiers: MedGen C0950123, MeSH D030342.

Submissions (2):

Ambry Genetics
Classification: Uncertain significance for Inborn genetic diseases. Last evaluated: 2025-10-08. Review status: criteria provided, single submitter. Criteria: Ambry Variant Classification Scheme 2023. Collection method: clinical testing. Allele origin: germline.

Labcorp Genetics (formerly Invitae), Labcorp
Classification: Uncertain significance for Ichthyosis linearis circumflexa. Last evaluated: 2022-09-07. Review status: criteria provided, single submitter. Criteria: Invitae Variant Classification Sherloc (09022015). Collection method: clinical testing. Allele origin: germline.
Comment: In summary, the available evidence is currently insufficient to determine the role of this variant in disease. Therefore, it has been classified as a Variant of Uncertain Significance. Algorithms developed to predict the effect of missense changes on protein structure and function (SIFT, PolyPhen-2, Align-GVGD) all suggest that this variant is likely to be tolerated. This variant has not been reported in the literature in individuals affected with SPINK5-related conditions. This variant is not present in population databases (gnomAD no frequency). This sequence change replaces arginine, which is basic and polar, with lysine, which is basic and polar, at codon 829 of the SPINK5 protein (p.Arg829Lys).